The following is an entry in ClinVar:

NM_001110556.2(FLNA):c.3064C>G (p.Pro1022Ala)

Gene: FLNA (filamin A; minus strand). Cytogenetic location: Xq28.
Variant type: single nucleotide variant.
Coding change: c.3064C>G on transcript NM_001110556.2 (MANE Select); coding-DNA position 3064, C replaced by G.
Protein change: p.Pro1022Ala; replaces proline 1022 with alanine.
Molecular consequence: missense variant.
Genome position (GRCh38, 1-based): chrX:154,361,451, G>C on the plus strand (C>G on the coding strand, the complement: FLNA is on the minus strand). VCF-style: chrX-154361451-G-C. GRCh37 (hg19) VCF-style: chrX-153589819-G-C.
Other names: c.3064C>G, p.Pro1022Ala (NM_001456.4); c.3064C>G (NM_001110556.1); short protein forms P1022A.
Identifiers: ClinVar variation 195581 (VCV000195581.34), dbSNP rs200150148, ClinGen allele CA201833.

ClinVar aggregate classification (germline): Benign/Likely benign. Review status: criteria provided, multiple submitters, no conflicts (2 of 4 stars). 10 submissions from 10 submitters: Benign (1); Likely benign (8). 1 of the submissions does not count toward it. Last evaluated 2026-03-27.

Conditions:
Oto-palato-digital syndrome, type II (OPD2). Also called: OPD II SYNDROME; FACIOPALATOOSSEOUS SYNDROME; Otopalatodigital Syndrome, Type II; Otopalatodigital Syndrome Type 2 (FLNA-OPD2). Identifiers: Orphanet 669, Orphanet 90652, MedGen C1844696, MONDO:0010571, OMIM 304120.
Frontometaphyseal dysplasia (FMD1). Identifiers: Orphanet 1826, MedGen C0265293, MONDO:0015942.
Melnick-Needles syndrome (MNS). Also called: OSTEODYSPLASTY OF MELNICK AND NEEDLES; MELNICK-NEEDLES OSTEODYSPLASTY; Melnick-Needles Syndrome (FLNA-MNS). Identifiers: Orphanet 2484, MedGen C0025237, MONDO:0010650, OMIM 309350.
Heterotopia, periventricular, X-linked dominant (PVNH1). Also called: PERIVENTRICULAR NODULAR HETEROTOPIA 1; X-linked periventricular heterotopia; PERIVENTRICULAR NODULAR HETEROTOPIA 4; HETEROTOPIA, PERIVENTRICULAR, 1. Identifiers: Orphanet 2149, Orphanet 82004, MedGen C1848213, MONDO:0010233, OMIM 300049.
FLNA-related disorder.
Familial thoracic aortic aneurysm and aortic dissection (TAAD). Also called: Thoracic aortic aneurysms and dissections. Identifiers: Orphanet 91387, MedGen C4707243, MONDO:0019625.

Allele frequency attached by ClinVar (database versions not stated): gnomAD exomes 0.00007 and 0.00022; ExAC 0.00028; ESP Exome Variant Server 0.00058; gnomAD 0.00070 and 0.00075; TOPMed 0.00081; 1000 Genomes Project 0.00106; 1000 Genomes Project 30x 0.00125.
gnomAD v4.1: 160 of 1,208,885 alleles (0.013%); highest among the groups gnomAD compares: African/African-American, 0.22%; no homozygotes.

Submissions (10):

Molecular Diagnostic Laboratory for Inherited Cardiovascular Disease, Montreal Heart Institute
Classification: Likely benign. Last evaluated: 2026-03-27. Review status: criteria provided, single submitter. Criteria: ACMG Guidelines, 2015. Collection method: clinical testing. Allele origin: germline. Affected: no.
Comment: BS1;BP6

Labcorp Genetics (formerly Invitae), Labcorp
Classification: Likely benign for Oto-palato-digital syndrome, type II; Heterotopia, periventricular, X-linked dominant; Frontometaphyseal dysplasia; Melnick-Needles syndrome. Last evaluated: 2026-01-17. Review status: criteria provided, single submitter. Criteria: Invitae Variant Classification Sherloc (09022015). Collection method: clinical testing. Allele origin: germline.

Women's Health and Genetics/Laboratory Corporation of America, LabCorp
Classification: Likely benign. Last evaluated: 2024-07-14. Review status: criteria provided, single submitter. Criteria: LabCorp Variant Classification Summary - May 2015. Collection method: clinical testing. Allele origin: germline.

Blueprint Genetics
Classification: Likely benign. Last evaluated: 2022-11-12. Review status: criteria provided, single submitter. Criteria: ACMG Guidelines, 2015. Collection method: clinical testing. Allele origin: germline.

GeneDx
Classification: Benign. Last evaluated: 2020-06-16. Review status: criteria provided, single submitter. Criteria: GeneDx Variant Classification Process June 2021. Collection method: clinical testing. Allele origin: germline. Affected: yes.

ARUP Laboratories, Molecular Genetics and Genomics, ARUP Laboratories
Classification: Likely benign. Last evaluated: 2019-03-28. Review status: criteria provided, single submitter. Criteria: ARUP Molecular Germline Variant Investigation Process. Collection method: clinical testing. Allele origin: germline.

Ambry Genetics
Classification: Likely benign for Familial thoracic aortic aneurysm and aortic dissection. Last evaluated: 2018-03-18. Review status: criteria provided, single submitter. Criteria: Ambry Variant Classification Scheme 2023. Collection method: clinical testing. Allele origin: germline.

Genetic Services Laboratory, University of Chicago
Classification: Likely benign. Last evaluated: 2015-11-13. Review status: criteria provided, single submitter. Criteria: ACMG Guidelines, 2015. Collection method: clinical testing. Allele origin: germline. Affected: no.

Eurofins Ntd Llc (ga)
Classification: Likely benign. Last evaluated: 2015-01-06. Review status: criteria provided, single submitter. Criteria: EGL Classification Definitions 2015. Collection method: clinical testing. Allele origin: germline. Observed: 1 variant allele, 1 hemizygote.

PreventionGenetics, part of Exact Sciences
Classification: Likely benign for FLNA-related condition. Last evaluated: 2021-04-01. Review status: no assertion criteria provided. Collection method: clinical testing. Allele origin: germline. Not counted in ClinVar's aggregate classification.
Comment: This variant is classified as likely benign based on ACMG/AMP sequence variant interpretation guidelines (Richards et al. 2015 PMID: 25741868, with internal and published modifications).